The following is an entry in ClinVar:

NM_080669.6(SLC46A1):c.*2852C>T

Genes: SARM1 (sterile alpha and TIR motif containing 1; plus strand), SLC46A1 (solute carrier family 46 member 1; minus strand). Cytogenetic location: 17q11.2.
Variant type: single nucleotide variant.
Coding change: c.*2852C>T on transcript NM_080669.6 (MANE Select); 2852 bases downstream of the stop codon, C replaced by T.
Molecular consequence: 3 prime UTR variant.
Genome position (GRCh38, 1-based): chr17:28,396,804, G>A on the plus strand (C>T on the coding strand, the complement: SLC46A1 is on the minus strand). VCF-style: chr17-28396804-G-A. GRCh37 (hg19) VCF-style: chr17-26723823-G-A.
Other names: c.*2852C>T (NM_001242366.3); c.*518G>A (NM_015077.4).
Identifiers: ClinVar variation 890319 (VCV000890319.4), dbSNP rs569526091, ClinGen allele CA289111396.

ClinVar aggregate classification (germline): Likely benign (1 of 4 stars; one submission).

Conditions:
Congenital defect of folate absorption. Also called: Hereditary Folate Malabsorption. Identifiers: Orphanet 90045, MedGen C0342705, MONDO:0009238, OMIM 229050.

Allele frequency attached by ClinVar (database versions not stated): gnomAD exomes 0.00106; 1000 Genomes Project 0.00120; 1000 Genomes Project 30x 0.00141; gnomAD 0.00234 and 0.00243; TOPMed 0.00235.
gnomAD v4.1: 363 of 156,252 alleles (0.23%); highest among the groups gnomAD compares: Non-Finnish European, 0.36%; no homozygotes.

Submission:

Illumina Laboratory Services, Illumina
Classification: Likely benign for Congenital defect of folate absorption. Last evaluated: 2018-01-13. Review status: criteria provided, single submitter. Criteria: ICSL Variant Classification Criteria 13 December 2019. Collection method: clinical testing. Allele origin: germline.
Comment: This variant was observed in the ICSL laboratory as part of a predisposition screen in an ostensibly healthy population. It had not been previously curated by ICSL or reported in the Human Gene Mutation Database (HGMD: prior to June 1st, 2018), and was therefore a candidate for classification through an automated scoring system. Utilizing variant allele frequency, disease prevalence and penetrance estimates, and inheritance mode, an automated score was calculated to assess if this variant is too frequent to cause the disease. Based on the score and internal cut-off values, a variant classified as likely benign is not then subjected to further curation. The score for this variant resulted in a classification of likely benign for this disease.